The following is an entry in ClinVar:

NM_001170700.3(DTHD1):c.2389G>T (p.Asp797Tyr)

Gene: DTHD1 (death domain containing 1; plus strand). Cytogenetic location: 4p14.
Variant type: single nucleotide variant.
Coding change: c.2389G>T on transcript NM_001170700.3 (MANE Select); coding-DNA position 2389, G replaced by T.
Protein change: p.Asp797Tyr; replaces aspartic acid 797 with tyrosine.
Molecular consequence: missense variant. On other transcripts: non-coding transcript variant (1), intron variant (1).
Genome position (GRCh38, 1-based): chr4:36,339,160, G>T. VCF-style: chr4-36339160-G-T. GRCh37 (hg19) VCF-style: chr4-36340782-G-T.
Other names: c.1519G>T, p.Asp507Tyr (NM_001136536.5); c.1408-4342G>T (NM_001378435.1); short protein forms D797Y, D507Y.
Identifiers: ClinVar variation 1043832 (VCV001043832.8), dbSNP rs1759176119, ClinGen allele CA356681975.

ClinVar aggregate classification (germline): Uncertain significance (1 of 4 stars; one submission).

Submission:

Labcorp Genetics (formerly Invitae), Labcorp
Classification: Uncertain significance. Last evaluated: 2020-06-24. Review status: criteria provided, single submitter. Criteria: Invitae Variant Classification Sherloc (09022015). Collection method: clinical testing. Allele origin: germline.
Comment: In summary, the available evidence is currently insufficient to determine the role of this variant in disease. Therefore, it has been classified as a Variant of Uncertain Significance. Algorithms developed to predict the effect of missense changes on protein structure and function (SIFT, PolyPhen-2, Align-GVGD) all suggest that this variant is likely to be disruptive, but these predictions have not been confirmed by published functional studies and their clinical significance is uncertain. This variant has not been reported in the literature in individuals with DTHD1-related conditions. This variant is not present in population databases (ExAC no frequency). This sequence change replaces aspartic acid with tyrosine at codon 507 of the DTHD1 protein (p.Asp507Tyr). The aspartic acid residue is highly conserved and there is a large physicochemical difference between aspartic acid and tyrosine.